The following is an entry in ClinVar:

ClinVar aggregate classification (germline): Uncertain significance (1 of 4 stars; one submission).

Submission:

GeneDx
Classification: Uncertain significance. Last evaluated: 2026-01-28. Review status: criteria provided, single submitter. Criteria: GeneDx Variant Classification Process June 2021. Collection method: clinical testing. Allele origin: germline.
Comment: Not observed at significant frequency in large population cohorts (gnomAD); In silico analysis supports that this missense variant has a deleterious effect on protein structure/function; Has not been previously published as pathogenic or benign to our knowledge

NM_021830.5(TWNK):c.1046G>C (p.Gly349Ala)

Gene: TWNK (twinkle mtDNA helicase; plus strand). Cytogenetic location: 10q24.31.
Variant type: single nucleotide variant.
Coding change: c.1046G>C on transcript NM_021830.5 (MANE Select); coding-DNA position 1046, G replaced by C.
Protein change: p.Gly349Ala; replaces glycine 349 with alanine.
Molecular consequence: missense variant. On other transcripts: non-coding transcript variant (4), intron variant (3).
Genome position (GRCh38, 1-based): chr10:100,989,256, G>C. VCF-style: chr10-100989256-G-C. GRCh37 (hg19) VCF-style: chr10-102749013-G-C.
Other names: c.1046G>C, p.Gly349Ala (NM_001163812.2); c.-119-388G>C (NM_001163814.2, NM_001163813.2); c.-57-450G>C (NM_001368275.1); short protein forms G349A.
Identifiers: ClinVar variation 4975789 (VCV004975789.1).
Genomic context (GRCh38, chr10:100,989,256, plus strand): 5'-GATGCTTCTTGGTGCGACCAGGAGACCAGCAACCCCGTCCCCTGGAGGCCCTGAACGGAG[G>C]CTTCAATCTTTCTCGTATTCTTCGTACCGCCCTGCCTGCCTGGCACAAGTCCATCGTATC-3'
Protein context (NP_068602.2, residues 339-359): QPRPLEALNG[Gly349Ala]FNLSRILRTA